The following is an entry in ClinVar:

NM_000159.4(GCDH):c.38G>A (p.Arg13His)

Genes: GCDH (glutaryl-CoA dehydrogenase; plus strand), LOC117125594 (CRISPRi-FlowFISH-validated KLF1 regulatory element; plus strand). Cytogenetic location: 19p13.13.
Variant type: single nucleotide variant.
Coding change: c.38G>A on transcript NM_000159.4 (MANE Select); coding-DNA position 38, G replaced by A.
Protein change: p.Arg13His; replaces arginine 13 with histidine.
Molecular consequence: missense variant. On other transcripts: non-coding transcript variant (2).
Genome position (GRCh38, 1-based): chr19:12,891,342, G>A. VCF-style: chr19-12891342-G-A. GRCh37 (hg19) VCF-style: chr19-13002156-G-A.
Other names: c.38G>A (NM_000159.2); c.38G>A, p.Arg13His (NM_013976.5); short protein forms R13H.
Identifiers: ClinVar variation 735229 (VCV000735229.43), dbSNP rs550100640, ClinGen allele CA9234173.

ClinVar aggregate classification (germline): Conflicting classifications of pathogenicity. Review status: criteria provided, conflicting classifications (1 of 4 stars). 7 submissions from 7 submitters: Uncertain significance (2); Benign (1); Likely benign (2). 2 of the submissions do not count toward it. Last evaluated 2026-01-19.

Conditions:
GCDH-related disorder. Also called: GCDH-related condition.
Glutaric aciduria, type 1. Also called: Glutaryl-CoA dehydrogenase deficiency; GA I; Glutaricaciduria, type I; Glutaric Acidemia Type 1; Glutaric acidemia type I; Glutaricacidemia Type 1. Identifiers: Orphanet 25, MedGen C0268595, MONDO:0009281, OMIM 231670.

Allele frequency attached by ClinVar (database versions not stated): gnomAD 0.00003 and 0.00022; TOPMed 0.00006; gnomAD exomes 0.00031 and 0.00067; ExAC 0.00081; 1000 Genomes Project 0.00180; 1000 Genomes Project 30x 0.00187.
gnomAD v4.1: 506 of 1,612,398 alleles (0.031%); highest among the groups gnomAD compares: South Asian, 0.45%; 5 homozygotes.

Submissions (7):

Labcorp Genetics (formerly Invitae), Labcorp
Classification: Benign for Glutaric aciduria, type 1. Last evaluated: 2026-01-19. Review status: criteria provided, single submitter. Criteria: Invitae Variant Classification Sherloc (09022015). Collection method: clinical testing. Allele origin: germline.

Blueprint Genetics
Classification: Uncertain significance. Last evaluated: 2024-11-19. Review status: criteria provided, single submitter. Criteria: ACMG Guidelines, 2015. Collection method: clinical testing. Allele origin: germline.

CeGaT Center for Human Genetics Tuebingen
Classification: Likely benign. Last evaluated: 2023-04-01. Review status: criteria provided, single submitter. Criteria: CeGaT Center For Human Genetics Tuebingen Variant Classification Criteria Version 2. Collection method: clinical testing. Allele origin: germline. Affected: yes. Observed: 2 variant alleles.
Comment: GCDH: BS2

GeneDx
Classification: Likely benign. Last evaluated: 2022-08-17. Review status: criteria provided, single submitter. Criteria: GeneDx Variant Classification Process June 2021. Collection method: clinical testing. Allele origin: germline. Affected: yes.
Comment: See Variant Classification Assertion Criteria.

Illumina Laboratory Services, Illumina
Classification: Uncertain significance for Glutaric aciduria, type 1. Last evaluated: 2018-01-13. Review status: criteria provided, single submitter. Criteria: ICSL Variant Classification Criteria 13 December 2019. Collection method: clinical testing. Allele origin: germline.

PreventionGenetics, part of Exact Sciences
Classification: Likely benign for GCDH-related condition. Last evaluated: 2022-04-06. Review status: no assertion criteria provided. Collection method: clinical testing. Allele origin: germline. Not counted in ClinVar's aggregate classification.
Comment: This variant is classified as likely benign based on ACMG/AMP sequence variant interpretation guidelines (Richards et al. 2015 PMID: 25741868, with internal and published modifications).

Natera, Inc.
Classification: Benign for Glutaric acidemia type 1. Last evaluated: 2020-06-16. Review status: no assertion criteria provided. Collection method: clinical testing. Allele origin: germline. Not counted in ClinVar's aggregate classification.